The following is an entry in ClinVar:

ClinVar aggregate classification (germline): Likely benign (0 of 4 stars; one submission).

Conditions:
MC3R-related disorder. Also called: MC3R-related condition.

Submission:

PreventionGenetics, part of Exact Sciences
Classification: Likely benign for MC3R-related condition. Last evaluated: 2023-03-14. Review status: no assertion criteria provided. Collection method: clinical testing. Allele origin: germline.
Comment: This variant is classified as likely benign based on ACMG/AMP sequence variant interpretation guidelines (Richards et al. 2015 PMID: 25741868, with internal and published modifications).

NM_019888.3(MC3R):c.318G>C (p.Leu106=)

Gene: MC3R (melanocortin 3 receptor; plus strand). Cytogenetic location: 20q13.2.
Variant type: single nucleotide variant.
Coding change: c.318G>C on transcript NM_019888.3 (MANE Select); coding-DNA position 318, G replaced by C.
Protein change: p.Leu106=; no amino-acid change (leucine 106 retained).
Molecular consequence: synonymous variant.
Genome position (GRCh38, 1-based): chr20:56,249,161, G>C. VCF-style: chr20-56249161-G-C. GRCh37 (hg19) VCF-style: chr20-54824217-G-C.
Identifiers: ClinVar variation 3353530 (VCV003353530.1).
Genomic context (GRCh38, chr20:56,249,161, plus strand): 5'-GGTAAGTGTGTCCAATGCCCTGGAGACCATCATGATCGCCATCGTCCACAGCGACTACCT[G>C]ACCTTCGAGGACCAGTTTATCCAGCACATGGACAACATCTTCGACTCCATGATCTGCATC-3'
Protein context (NP_063941.3, residues 96-116): IMIAIVHSDY[Leu106=]TFEDQFIQHM